The following is an entry in ClinVar:

ClinVar aggregate classification (germline): Uncertain significance. Review status: criteria provided, multiple submitters, no conflicts (2 of 4 stars). 2 submissions from 2 submitters: Uncertain significance (2). Last evaluated 2026-09-08.

Conditions:
Cardiovascular phenotype. Identifiers: MedGen CN230736.
Fabry disease. Also called: Fabry's disease; Ceramide trihexosidosis; Angiokeratoma corporis diffusum; ALPHA-GALACTOSIDASE A DEFICIENCY; ANDERSON-FABRY DISEASE; CERAMIDE TRIHEXOSIDASE DEFICIENCY. Identifiers: Orphanet 324, MedGen C0002986, MONDO:0010526, OMIM 301500, HP:0001071. Disease mechanism: Fabry disease is due to inactivating mutations in the X-linked GLA gene resulting in deficiency of the enzyme Alpha Galactosidase-A., loss of function.

Submissions (2):

Genomenon, Inc
Classification: Uncertain significance for Fabry disease. Last evaluated: 2026-09-08. Review status: criteria provided, single submitter. Criteria: Genomenon Sequence Variant Interpretation Standards - Updated. Collection method: curation. Allele origin: germline. Affected: yes.
Comment: GLA p.Asn192Tyr (c.574A>T) is a missense variant that changes the amino acid at codon 192 from Asparagine to Tyrosine. This variant has been observed in at least one proband with clinical features consistent with Fabry disease (PMID:32292674). Functional or patient cell studies have been reported (PMID:32292674). It is absent or not present at a significant frequency in gnomAD. In silico models predict that this variant is possibly or probably damaging. In conclusion, we classify GLA p.Asn192Tyr (c.574A>T) as a variant of uncertain significance.

Ambry Genetics
Classification: Uncertain significance for Cardiovascular phenotype. Last evaluated: 2016-11-17. Review status: criteria provided, single submitter. Criteria: Ambry Variant Classification Scheme 2023. Collection method: clinical testing. Allele origin: germline.
Comment: The p.N192Y variant (also known as c.574A>T), located in coding exon 4 of the GLA gene, results from an A to T substitution at nucleotide position 574. The asparagine at codon 192 is replaced by tyrosine, an amino acid with dissimilar properties. This variant was not reported in population based cohorts in the following databases: Database of Single Nucleotide Polymorphisms (dbSNP), NHLBI Exome Sequencing Project (ESP), and 1000 Genomes Project. In the ESP, this variant was not observed in 6503 samples with coverage at this position. This amino acid position is well conserved in available vertebrate species. In addition, this alteration is predicted to be deleterious by in silico analysis. Since supporting evidence is limited at this time, the clinical significance of this alteration remains unclear.

Literature cited by the submitters: PubMed 32292674 (cited by Genomenon, Inc).

NM_000169.3(GLA):c.574A>T (p.Asn192Tyr)

Genes: GLA (galactosidase alpha; minus strand), RPL36A-HNRNPH2 (RPL36A-HNRNPH2 readthrough; plus strand). Cytogenetic location: Xq22.1.
Variant type: single nucleotide variant.
Coding change: c.574A>T on transcript NM_000169.3 (MANE Select); coding-DNA position 574, A replaced by T.
Protein change: p.Asn192Tyr; replaces asparagine 192 with tyrosine.
Molecular consequence: missense variant. On other transcripts: non-coding transcript variant (2), intron variant (2).
Genome position (GRCh38, 1-based): chrX:101,400,731, T>A on the plus strand (A>T on the coding strand, the complement: GLA is on the minus strand). VCF-style: chrX-101400731-T-A. GRCh37 (hg19) VCF-style: chrX-100655719-T-A.
Other names: c.697A>T, p.Asn233Tyr (NM_001406747.1); c.574A>T, p.Asn192Tyr (NM_001406748.1); c.300+5274T>A (NM_001199973.2); c.177+8909T>A (NM_001199974.2); short protein forms N192Y, N233Y.
Identifiers: ClinVar variation 520318 (VCV000520318.7), dbSNP rs1555985569, ClinGen allele CA413927741.
Genomic context (GRCh38, chrX:101,400,731, plus strand): 5'-GAAAGGGCCACATATAAAGAGGCCACTCACAGGAGTACACAATGCTTCTGCCAGTCCTAT[T>A]CAGGGCCAAGGACATGTGCTTATAACCTGTATGAGAAAACAATGGGTAAAATAAGGGAAA-3'
Protein context (NP_000160.1, residues 182-202): DGYKHMSLAL[Asn192Tyr]RTGRSIVYSC